The following is an entry in ClinVar:

NM_004304.5(ALK):c.346G>T (p.Ala116Ser)

Gene: ALK (ALK receptor tyrosine kinase; minus strand). Cytogenetic location: 2p23.1.
Variant type: single nucleotide variant.
Coding change: c.346G>T on transcript NM_004304.5 (MANE Select); coding-DNA position 346, G replaced by T.
Protein change: p.Ala116Ser; replaces alanine 116 with serine.
Molecular consequence: missense variant.
Genome position (GRCh38, 1-based): chr2:29,920,314, C>A on the plus strand (G>T on the coding strand, the complement: ALK is on the minus strand). VCF-style: chr2-29920314-C-A. GRCh37 (hg19) VCF-style: chr2-30143180-C-A.
Other names: short protein forms A116S.
Identifiers: ClinVar variation 4712803 (VCV004712803.1).

ClinVar aggregate classification (germline): Uncertain significance (1 of 4 stars; one submission).

Conditions:
Neuroblastoma, susceptibility to, 3. Also called: ALK-Related Neuroblastic Tumor Susceptibility. Identifiers: Orphanet 635, MedGen C2751681, MONDO:0013083, OMIM 613014.

Submission:

Labcorp Genetics (formerly Invitae), Labcorp
Classification: Uncertain significance for Neuroblastoma, susceptibility to, 3. Last evaluated: 2025-02-16. Review status: criteria provided, single submitter. Criteria: Invitae Variant Classification Sherloc (09022015). Collection method: clinical testing. Allele origin: germline.
Comment: This sequence change replaces alanine, which is neutral and non-polar, with serine, which is neutral and polar, at codon 116 of the ALK protein (p.Ala116Ser). This variant is not present in population databases (gnomAD no frequency). This variant has not been reported in the literature in individuals affected with ALK-related conditions. An algorithm developed to predict the effect of missense changes on protein structure and function outputs the following: PolyPhen-2: "Benign". The serine amino acid residue is found in multiple mammalian species, which suggests that this missense change does not adversely affect protein function. In summary, the available evidence is currently insufficient to determine the role of this variant in disease. Therefore, it has been classified as a Variant of Uncertain Significance.